The following is an entry in ClinVar:

ClinVar aggregate classification (germline): Uncertain significance (1 of 4 stars; one submission).

gnomAD v4.1: 8 of 1,613,524 alleles (0.0005%); highest among the groups gnomAD compares: Non-Finnish European, 0.00059%; no homozygotes.

Submission:

GeneDx
Classification: Uncertain significance. Last evaluated: 2024-06-11. Review status: criteria provided, single submitter. Criteria: GeneDx Variant Classification Process June 2021. Collection method: clinical testing. Allele origin: germline. Affected: yes.
Comment: Not observed at significant frequency in large population cohorts (gnomAD); In silico analysis indicates that this missense variant does not alter protein structure/function; Has not been previously published as pathogenic or benign to our knowledge

NM_001382391.1(CSPP1):c.646A>G (p.Arg216Gly)

Gene: CSPP1 (centrosome and spindle pole associated protein 1; plus strand). Cytogenetic location: 8q13.1.
Variant type: single nucleotide variant.
Coding change: c.646A>G on transcript NM_001382391.1 (MANE Select); coding-DNA position 646, A replaced by G.
Protein change: p.Arg216Gly; replaces arginine 216 with glycine.
Molecular consequence: missense variant. On other transcripts: 5 prime UTR variant (1).
Genome position (GRCh38, 1-based): chr8:67,095,455, A>G. VCF-style: chr8-67095455-A-G. GRCh37 (hg19) VCF-style: chr8-68007690-A-G.
Other names: c.-210A>G (NM_001291339.2); c.565A>G, p.Arg189Gly (NM_001363131.2, NM_001363133.2); c.646A>G, p.Arg216Gly (NM_001363132.2); c.754A>G, p.Arg252Gly (NM_001364869.1); c.673A>G, p.Arg225Gly (NM_001364870.1, NM_024790.7); short protein forms R189G, R216G, R225G, R252G.
Identifiers: ClinVar variation 3390757 (VCV003390757.1).
Genomic context (GRCh38, chr8:67,095,455, plus strand): 5'-GTCTTAACTCCTTCAGAGGCATATGAAGAACTTCTGAACCAAAGACGACTAGAGGAGGAC[A>G]GATACCGACAACTAGATGATGAAATCGAATTAAGGAATAGAAGAATTATTAAAAAAGCAA-3'
Protein context (NP_001369320.1, residues 206-226): LLNQRRLEED[Arg216Gly]YRQLDDEIEL